The following is an entry in ClinVar:

ClinVar aggregate classification (germline): Benign (0 of 4 stars; one submission).

Conditions:
PTPN23-related disorder. Also called: PTPN23-related condition.

Allele frequency attached by ClinVar (database versions not stated): ExAC 0.00049; ESP Exome Variant Server 0.00146; 1000 Genomes Project 0.00180.

Submission:

PreventionGenetics, part of Exact Sciences
Classification: Benign for PTPN23-related condition. Last evaluated: 2019-02-22. Review status: no assertion criteria provided. Collection method: clinical testing. Allele origin: germline.
Comment: This variant is classified as benign based on ACMG/AMP sequence variant interpretation guidelines (Richards et al. 2015 PMID: 25741868, with internal and published modifications).

NM_015466.4(PTPN23):c.4634C>T (p.Pro1545Leu)

Gene: PTPN23 (protein tyrosine phosphatase non-receptor type 23; plus strand). Cytogenetic location: 3p21.31.
Variant type: single nucleotide variant.
Coding change: c.4634C>T on transcript NM_015466.4 (MANE Select); coding-DNA position 4634, C replaced by T.
Protein change: p.Pro1545Leu; replaces proline 1545 with leucine.
Molecular consequence: missense variant.
Genome position (GRCh38, 1-based): chr3:47,412,908, C>T. VCF-style: chr3-47412908-C-T. GRCh37 (hg19) VCF-style: chr3-47454398-C-T.
Other names: c.4256C>T, p.Pro1419Leu (NM_001304482.2); short protein forms P1419L, P1545L.
Identifiers: ClinVar variation 3049943 (VCV003049943.2), dbSNP rs140165828, ClinGen allele CA2366658.